The following is an entry in ClinVar:

ClinVar aggregate classification (germline): Benign. Review status: criteria provided, multiple submitters, no conflicts (2 of 4 stars). 5 submissions from 4 submitters: Benign (5). Last evaluated 2024-01-24.

Conditions:
Familial Mediterranean fever, autosomal dominant. Also called: Dominant Familial Mediterranean Fever; FMF, AUTOSOMAL DOMINANT. Identifiers: Orphanet 342, MedGen C1851347, MONDO:0007601, OMIM 134610.
Familial Mediterranean fever (FMF). Also called: POLYSEROSITIS, FAMILIAL PAROXYSMAL; POLYSEROSITIS, RECURRENT; Periodic peritonitis; Benign paroxysmal peritonitis. Identifiers: Orphanet 342, MedGen C0031069, MONDO:0018088, OMIM 249100. Disease mechanism: gain of function.

Allele frequency attached by ClinVar (database versions not stated): TOPMed 0.40032; gnomAD exomes 0.42327; 1000 Genomes Project 30x 0.35009; gnomAD 0.40718 and 0.41206; 1000 Genomes Project 0.35323.
gnomAD v4.1: 397,922 of 945,006 alleles (42%); highest among the groups gnomAD compares: Middle Eastern, 47%; 86,632 homozygotes.

Submissions (5):

Unidad de Genómica Garrahan, Hospital de Pediatría Garrahan
Classification: Benign. Last evaluated: 2024-01-24. Review status: criteria provided, single submitter. Criteria: ACMG Guidelines, 2015. Collection method: clinical testing. Allele origin: germline. Affected: no. Observed: 42 variant alleles.
Comment: This variant is classified as Benign based on local population frequency. This variant was detected in 44% of patients studied by a panel of primary immunodeficiencies. Number of patients: 42. Only high quality variants are reported.

Genome-Nilou Lab
Classification: Benign for Familial Mediterranean fever, autosomal dominant. Last evaluated: 2021-07-01. Review status: criteria provided, single submitter. Criteria: ACMG Guidelines, 2015. Collection method: clinical testing. Allele origin: germline. Affected: no.

Genome-Nilou Lab
Classification: Benign for Familial Mediterranean fever. Last evaluated: 2021-07-01. Review status: criteria provided, single submitter. Criteria: ACMG Guidelines, 2015. Collection method: clinical testing. Allele origin: germline. Affected: no.

GeneDx
Classification: Benign. Last evaluated: 2018-06-19. Review status: criteria provided, single submitter. Criteria: GeneDx Variant Classification (06012015). Collection method: clinical testing. Allele origin: germline. Affected: yes.
Comment: This variant is considered likely benign or benign based on one or more of the following criteria: it is a conservative change, it occurs at a poorly conserved position in the protein, it is predicted to be benign by multiple in silico algorithms, and/or has population frequency not consistent with disease.

Breakthrough Genomics
Classification: Benign. Review status: criteria provided, single submitter. Criteria: ACMG Guidelines, 2015. Collection method: not provided. Allele origin: germline. Inheritance: Autosomal recessive inheritance. Affected: yes.

NM_000243.3(MEFV):c.1611-90C>T

Gene: MEFV (MEFV innate immunity regulator, pyrin; minus strand). Cytogenetic location: 16p13.3.
Variant type: single nucleotide variant.
Coding change: c.1611-90C>T on transcript NM_000243.3 (MANE Select); 90 bases into the intron before coding-DNA position 1611, C replaced by T.
Molecular consequence: intron variant.
Genome position (GRCh38, 1-based): chr16:3,244,678, G>A on the plus strand (C>T on the coding strand, the complement: MEFV is on the minus strand). VCF-style: chr16-3244678-G-A. GRCh37 (hg19) VCF-style: chr16-3294678-G-A.
Other names: c.978-90C>T (NM_001198536.2).
Identifiers: ClinVar variation 676934 (VCV000676934.6), dbSNP rs1231124, ClinGen allele CA14275415.